The following is an entry in ClinVar:

NM_019066.5(MAGEL2):c.74G>A (p.Arg25His)

Gene: MAGEL2 (MAGE family member L2; minus strand). Cytogenetic location: 15q11.2.
Variant type: single nucleotide variant.
Coding change: c.74G>A on transcript NM_019066.5 (MANE Select); coding-DNA position 74, G replaced by A.
Protein change: p.Arg25His; replaces arginine 25 with histidine.
Molecular consequence: missense variant.
Genome position (GRCh38, 1-based): chr15:23,647,669, C>T on the plus strand (G>A on the coding strand, the complement: MAGEL2 is on the minus strand). VCF-style: chr15-23647669-C-T. GRCh37 (hg19) VCF-style: chr15-23892816-C-T.
Other names: short protein forms R25H.
Identifiers: ClinVar variation 4795323 (VCV004795323.1).

ClinVar aggregate classification (germline): Uncertain significance (1 of 4 stars; one submission).

Submission:

GeneDx
Classification: Uncertain significance. Last evaluated: 2025-08-14. Review status: criteria provided, single submitter. Criteria: GeneDx Variant Classification Process June 2021. Collection method: clinical testing. Allele origin: germline. Affected: yes.
Comment: Not observed at significant frequency in large population cohorts (gnomAD); In silico analysis does not support a benign or deleterious effect of this variant on protein structure/function; Has not been previously published as pathogenic or benign to our knowledge